The following is an entry in ClinVar:

ClinVar aggregate classification (germline): Likely benign. Review status: criteria provided, single submitter (1 of 4 stars). 2 submissions from 2 submitters: Likely benign (1). 1 of the submissions does not count toward it. Last evaluated 2018-08-08.

Conditions:
DIP2A-related disorder. Also called: DIP2A-related condition.

Allele frequency attached by ClinVar (database versions not stated): gnomAD 0.00006 and 0.00009; gnomAD exomes 0.00011 and 0.00026; TOPMed 0.00013; 1000 Genomes Project 30x 0.00031; ExAC 0.00041.
gnomAD v4.1: 174 of 1,549,834 alleles (0.011%); highest among the groups gnomAD compares: Middle Eastern, 0.13%; 2 homozygotes.

Submissions (2):

Labcorp Genetics (formerly Invitae), Labcorp
Classification: Likely benign. Last evaluated: 2018-08-08. Review status: criteria provided, single submitter. Criteria: Invitae Variant Classification Sherloc (09022015). Collection method: clinical testing. Allele origin: germline.

PreventionGenetics, part of Exact Sciences
Classification: Likely benign for DIP2A-related condition. Last evaluated: 2019-02-20. Review status: no assertion criteria provided. Collection method: clinical testing. Allele origin: germline. Not counted in ClinVar's aggregate classification.
Comment: This variant is classified as likely benign based on ACMG/AMP sequence variant interpretation guidelines (Richards et al. 2015 PMID: 25741868, with internal and published modifications).

NM_015151.4(DIP2A):c.3388+10C>T

Gene: DIP2A (disco interacting protein 2 homolog A; plus strand). Cytogenetic location: 21q22.3.
Variant type: single nucleotide variant.
Coding change: c.3388+10C>T on transcript NM_015151.4 (MANE Select); 10 bases into the intron after coding-DNA position 3388, C replaced by T.
Molecular consequence: intron variant.
Genome position (GRCh38, 1-based): chr21:46,554,943, C>T. VCF-style: chr21-46554943-C-T. GRCh37 (hg19) VCF-style: chr21-47974856-C-T.
Other names: c.3388+10C>T (NM_001353943.2); c.3391+10C>T (NM_001353942.2); c.3376+10C>T (NM_001146116.2).
Identifiers: ClinVar variation 709800 (VCV000709800.5), dbSNP rs745513278, ClinGen allele CA10082767.